The following is an entry in ClinVar:

NM_021120.4(DLG3):c.2069A>G (p.Lys690Arg)

Gene: DLG3 (discs large MAGUK scaffold protein 3; plus strand). Cytogenetic location: Xq13.1.
Variant type: single nucleotide variant.
Coding change: c.2069A>G on transcript NM_021120.4 (MANE Select); coding-DNA position 2069, A replaced by G.
Protein change: p.Lys690Arg; replaces lysine 690 with arginine.
Molecular consequence: missense variant.
Genome position (GRCh38, 1-based): chrX:70,499,973, A>G. VCF-style: chrX-70499973-A-G. GRCh37 (hg19) VCF-style: chrX-69719823-A-G.
Other names: c.716A>G, p.Lys239Arg (NM_001166278.2); c.1154A>G, p.Lys385Arg (NM_020730.3); short protein forms K239R, K690R, K385R.
Identifiers: ClinVar variation 4999997 (VCV004999997.1).

ClinVar aggregate classification (germline): Uncertain significance (1 of 4 stars; one submission).

Conditions:
DLG3-related disorder. Also called: DLG3-related condition.

Submission:

PreventionGenetics, part of Exact Sciences
Classification: Uncertain significance for DLG3-related condition. Last evaluated: 2024-10-03. Review status: criteria provided, single submitter. Criteria: ACMG Guidelines, 2015. Collection method: clinical testing. Allele origin: germline.
Comment: The DLG3 c.2069A>G variant is predicted to result in the amino acid substitution p.Lys690Arg. To our knowledge, this variant has not been reported in the literature or in a large population database (gnomAD), indicating this variant is rare. At this time, the clinical significance of this variant is uncertain due to the absence of conclusive functional and genetic evidence.